The following is an entry in ClinVar:

ClinVar aggregate classification (germline): Uncertain significance. Review status: criteria provided, multiple submitters, no conflicts (2 of 4 stars). 2 submissions from 2 submitters: Uncertain significance (2). Last evaluated 2024-09-27.

gnomAD v4.1: 31 of 1,551,026 alleles (0.002%); highest among the groups gnomAD compares: Admixed American, 0.022%; no homozygotes.

Submissions (2):

Ambry Genetics
Classification: Uncertain significance. Last evaluated: 2024-09-27. Review status: criteria provided, single submitter. Criteria: Ambry Variant Classification Scheme 2023. Collection method: clinical testing. Allele origin: germline.

GeneDx
Classification: Uncertain significance. Last evaluated: 2024-03-27. Review status: criteria provided, single submitter. Criteria: GeneDx Variant Classification Process June 2021. Collection method: clinical testing. Allele origin: germline. Affected: yes.
Comment: In silico analysis supports that this missense variant does not alter protein structure/function; Has not been previously published as pathogenic or benign to our knowledge

NM_001367479.1(DNAH14):c.5155A>G (p.Thr1719Ala)

Gene: DNAH14 (dynein axonemal heavy chain 14; plus strand). Cytogenetic location: 1q42.12.
Variant type: single nucleotide variant.
Coding change: c.5155A>G on transcript NM_001367479.1 (MANE Select); coding-DNA position 5155, A replaced by G.
Protein change: p.Thr1719Ala; replaces threonine 1719 with alanine.
Molecular consequence: missense variant.
Genome position (GRCh38, 1-based): chr1:225,152,842, A>G. VCF-style: chr1-225152842-A-G. GRCh37 (hg19) VCF-style: chr1-225340544-A-G.
Other names: NM_001373.1:c.5104A>G; short protein forms T1719A.
Identifiers: ClinVar variation 3371722 (VCV003371722.2).
Genomic context (GRCh38, chr1:225,152,842, plus strand): 5'-GCTGAAATAATATTGTTTTCATTTGGTTTCAAATCTGCAAATTCACTCTCTGGAAAGCTA[A>G]CTAACCTTTATGAATTAGCGCGCAAACAGCTCTCACAACAGGTAAATAGCTACTTTTCTC-3'
Protein context (NP_001354408.1, residues 1709-1729): KSANSLSGKL[Thr1719Ala]NLYELARKQL